The following is an entry in ClinVar:

ClinVar aggregate classification (germline): Pathogenic/Likely pathogenic. Review status: criteria provided, multiple submitters, no conflicts (2 of 4 stars). 2 submissions from 2 submitters: Pathogenic (1); Likely pathogenic (1). Last evaluated 2026-06-09.

Conditions:
Complex cortical dysplasia with other brain malformations 5. Identifiers: MedGen C3810407, MONDO:0014337, OMIM 615763.

Submissions (2):

GeneDx
Classification: Pathogenic. Last evaluated: 2026-06-09. Review status: criteria provided, single submitter. Criteria: GeneDx Variant Classification Process June 2021. Collection method: clinical testing. Allele origin: germline.
Comment: Not observed at significant frequency in large population cohorts (gnomAD); In silico analysis supports that this missense variant has a deleterious effect on protein structure/function; This variant is associated with the following publications: (PMID: 28840640, 32203252)

Variantyx, Inc.
Classification: Likely pathogenic for Complex cortical dysplasia with other brain malformations 5. Last evaluated: 2025-03-04. Review status: criteria provided, single submitter. Criteria: Variantyx Assertion Criteria 2022. Collection method: clinical testing. Allele origin: germline. Affected: yes.
Comment: This is a nonsynonymous variant in the TUBB2A gene (OMIM: 615101). Pathogenic variants in this gene have been associated with autosomal dominant complex cortical dysplasia with other brain malformations 5. This variant has been reported in at least one affected individual (PMID: 28840640) (PS4_Supporting). Multiple computational algorithms predict a deleterious effect for this variant (REVEL score: 0.846) (PP3_Moderate). This variant is absent from control populations (PM2_Supporting). Based on the current evidence, this variant is classified as likely pathogenic for autosomal dominant complex cortical dysplasia with other brain malformations 5.This variant is classified as likely pathogenic, which differs from the classification of pathogenic noted in the results submitted to us in the clinical records. Differences in variant classification may happen due to differences in laboratories protocols for variant classification, updates of databases, literature and guidelines that occur from time to time.

NM_001069.3(TUBB2A):c.785G>A (p.Arg262His)

Gene: TUBB2A (tubulin beta 2A class IIa; minus strand). Cytogenetic location: 6p25.2.
Variant type: single nucleotide variant.
Coding change: c.785G>A on transcript NM_001069.3 (MANE Select); coding-DNA position 785, G replaced by A.
Protein change: p.Arg262His; replaces arginine 262 with histidine.
Molecular consequence: missense variant.
Genome position (GRCh38, 1-based): chr6:3,154,416, C>T on the plus strand (G>A on the coding strand, the complement: TUBB2A is on the minus strand). VCF-style: chr6-3154416-C-T. GRCh37 (hg19) VCF-style: chr6-3154650-C-T.
Other names: c.530G>A, p.Arg177His (NM_001310315.2); short protein forms R177H, R262H.
Identifiers: ClinVar variation 2428890 (VCV002428890.4), dbSNP rs2533524352, ClinGen allele CA362591970.